The following is an entry in ClinVar:

NM_152383.5(DIS3L2):c.2216G>A (p.Cys739Tyr)

Gene: DIS3L2 (DIS3 like 3'-5' exoribonuclease 2; plus strand). Cytogenetic location: 2q37.1.
Variant type: single nucleotide variant.
Coding change: c.2216G>A on transcript NM_152383.5 (MANE Select); coding-DNA position 2216, G replaced by A.
Protein change: p.Cys739Tyr; replaces cysteine 739 with tyrosine.
Molecular consequence: missense variant. On other transcripts: non-coding transcript variant (2), intron variant (1).
Genome position (GRCh38, 1-based): chr2:232,334,426, G>A. VCF-style: chr2-232334426-G-A. GRCh37 (hg19) VCF-style: chr2-233199136-G-A.
Other names: c.1582-8919G>A (NM_001257281.2); short protein forms C739Y.
Identifiers: ClinVar variation 1429735 (VCV001429735.8), dbSNP rs1398723111, ClinGen allele CA350977732.

ClinVar aggregate classification (germline): Uncertain significance (1 of 4 stars; one submission).

Conditions:
Perlman syndrome (PRLMNS). Identifiers: Orphanet 2849, MedGen C0796113, MONDO:0009965, OMIM 267000.

Allele frequency attached by ClinVar (database versions not stated): gnomAD exomes below 0.00001.
gnomAD v4.1: 2 of 1,613,834 alleles (0.00012%); highest among the groups gnomAD compares: South Asian, 0.0011%; no homozygotes.

Submission:

Labcorp Genetics (formerly Invitae), Labcorp
Classification: Uncertain significance for Perlman syndrome. Last evaluated: 2022-03-27. Review status: criteria provided, single submitter. Criteria: Invitae Variant Classification Sherloc (09022015). Collection method: clinical testing. Allele origin: germline.
Comment: In summary, the available evidence is currently insufficient to determine the role of this variant in disease. Therefore, it has been classified as a Variant of Uncertain Significance. Algorithms developed to predict the effect of missense changes on protein structure and function are either unavailable or do not agree on the potential impact of this missense change (SIFT: "Deleterious"; PolyPhen-2: "Probably Damaging"; Align-GVGD: "Class C0"). This variant has not been reported in the literature in individuals affected with DIS3L2-related conditions. This variant is not present in population databases (gnomAD no frequency). This sequence change replaces cysteine, which is neutral and slightly polar, with tyrosine, which is neutral and polar, at codon 739 of the DIS3L2 protein (p.Cys739Tyr).